The following is an entry in ClinVar:

ClinVar aggregate classification (germline): Pathogenic/Likely pathogenic. Review status: criteria provided, multiple submitters, no conflicts (2 of 4 stars). 5 submissions from 5 submitters: Pathogenic (1); Likely pathogenic (3). 1 of the submissions does not count toward it. Last evaluated 2026-02-17.

Conditions:
MHC class II deficiency. Also called: BLS, TYPE II; Bare lymphocyte syndrome 2. Identifiers: Orphanet 572, MedGen C5447452, MONDO:0008855.
RFXANK-related disorder. Also called: RFXANK-related condition.
MHC class II deficiency 2. Also called: Bare lymphocyte syndrome, type II, complementation group B. Identifiers: MedGen C1859535, MONDO:0971013, OMIM 620815.

Allele frequency attached by ClinVar (database versions not stated): ExAC 0.00001; gnomAD 0.00001; gnomAD exomes 0.00001; TOPMed 0.00002.
gnomAD v4.1: 14 of 1,613,278 alleles (0.00087%); highest among the groups gnomAD compares: Non-Finnish European, 0.0012%; no homozygotes.

Submissions (6):

PreventionGenetics, part of Exact Sciences
Classification: Likely pathogenic for RFXANK-related condition. Last evaluated: 2026-02-17. Review status: criteria provided, single submitter. Criteria: ACMG Guidelines, 2015. Collection method: clinical testing. Allele origin: germline.
Comment: The RFXANK c.232C>T variant is predicted to result in premature protein termination (p.Arg78*). This variant has been reported in the compound heterozygous state in an individual with features of an inborn error of immunity, including chronic diarrhea, recurrent pulmonary infections, and low IgG and IgA levels (Family ID F7, Peng et al. 2023. PubMed ID: 37678716). This variant is reported in 0.0023% of alleles in individuals of European (Non-Finnish) descent in gnomAD. Nonsense variants in RFXANK are expected to be pathogenic. This variant is interpreted as likely pathogenic.

Labcorp Genetics (formerly Invitae), Labcorp
Classification: Pathogenic for MHC class II deficiency. Last evaluated: 2026-01-12. Review status: criteria provided, single submitter. Criteria: Invitae Variant Classification Sherloc (09022015). Collection method: clinical testing. Allele origin: germline.
Comment: This sequence change creates a premature translational stop signal (p.Arg78*) in the RFXANK gene. It is expected to result in an absent or disrupted protein product. Loss-of-function variants in RFXANK are known to be pathogenic (PMID: 10803838, 16166641, 21908431). The frequency data for this variant in the population databases is considered unreliable, as metrics indicate poor data quality at this position in the gnomAD database. This variant has not been reported in the literature in individuals affected with RFXANK-related conditions. ClinVar contains an entry for this variant (Variation ID: 847978). For these reasons, this variant has been classified as Pathogenic.

Blueprint Genetics
Classification: Likely pathogenic for RFXANK-related disorders. Last evaluated: 2024-06-10. Review status: criteria provided, single submitter. Criteria: ACMG Guidelines, 2015. Collection method: clinical testing. Allele origin: germline. Affected: yes. Observed: 3 variant alleles.

Fulgent Genetics
Classification: Likely pathogenic for MHC class II deficiency 2. Last evaluated: 2024-06-10. Review status: criteria provided, single submitter. Criteria: ACMG Guidelines, 2015. Collection method: clinical testing. Allele origin: germline.

Clinic of Clinical Immunology with Stem Cell Bank, Expert Centre for Rare Diseases - PID, University Hospital "Alexandrovska"
Classification: Pathogenic for MHC class II deficiency 1. Last evaluated: 2022-05-01. Review status: no assertion criteria provided. Collection method: clinical testing. Allele origin: germline. Affected: yes. Not counted in ClinVar's aggregate classification.

Dr. Peter K. Rogan Lab, Western University
No classification provided (evidence only). Condition: Thyroid cancer, nonmedullary, 1. Review status: no classification provided. Collection method: in vitro. Allele origin: not applicable. Functional consequence: retained intron. Not counted in ClinVar's aggregate classification.

Literature cited by the submitters: PubMed 10803838 (cited by Labcorp Genetics (formerly Invitae), Labcorp); PubMed 16166641 (cited by Labcorp Genetics (formerly Invitae), Labcorp); PubMed 21908431 (cited by Labcorp Genetics (formerly Invitae), Labcorp).

NM_003721.4(RFXANK):c.232C>T (p.Arg78Ter)

Gene: RFXANK (regulatory factor X associated ankyrin containing protein; plus strand). Cytogenetic location: 19p13.11.
Variant type: single nucleotide variant.
Coding change: c.232C>T on transcript NM_003721.4 (MANE Select); coding-DNA position 232, C replaced by T.
Protein change: p.Arg78Ter; replaces arginine 78 with a stop codon.
Molecular consequence: nonsense.
Genome position (GRCh38, 1-based): chr19:19,197,007, C>T. VCF-style: chr19-19197007-C-T. GRCh37 (hg19) VCF-style: chr19-19307816-C-T.
Other names: c.232C>T, p.Arg78Ter (NM_001278727.2, NM_001370233.1, NM_001370234.1 and 1 more transcripts); c.229C>T, p.Arg77Ter (NM_001278728.2, NM_001370235.1, NM_001370236.1 and 2 more transcripts); short protein forms R78*, R77*.
Identifiers: ClinVar variation 847978 (VCV000847978.12), dbSNP rs779699696, ClinGen allele CA9322642.
Genomic context (GRCh38, chr19:19,197,007, plus strand): 5'-GTTGTCTGTTTCCCAGCAGGCAGCTCCCTGAAGCACTCCACCACTCTCACCAACCGGCAG[C>T]GAGGGAACGAGGTGTCAGCTCTGCCGGCCACCCTAGACTGTGAGTGGGCCCACGGTCCCC-3'